The following is an entry in ClinVar:

NM_001875.5(CPS1):c.1255C>T (p.Arg419Trp)

Gene: CPS1 (carbamoyl-phosphate synthase 1; plus strand). Cytogenetic location: 2q34.
Variant type: single nucleotide variant.
Coding change: c.1255C>T on transcript NM_001875.5 (MANE Select); coding-DNA position 1255, C replaced by T.
Protein change: p.Arg419Trp; replaces arginine 419 with tryptophan.
Molecular consequence: missense variant. On other transcripts: non-coding transcript variant (2).
Genome position (GRCh38, 1-based): chr2:210,594,598, C>T. VCF-style: chr2-210594598-C-T. GRCh37 (hg19) VCF-style: chr2-211459322-C-T.
Other names: c.1255C>T, p.Arg419Trp (NM_001122633.3, NM_001369257.1); c.1288C>T, p.Arg430Trp (NM_001369256.1); short protein forms R419W, R430W.
Identifiers: ClinVar variation 1696208 (VCV001696208.7), dbSNP rs139818667, ClinGen allele CA2086311.

ClinVar aggregate classification (germline): Uncertain significance. Review status: criteria provided, multiple submitters, no conflicts (2 of 4 stars). 4 submissions from 4 submitters: Uncertain significance (4). Last evaluated 2024-08-20.

Conditions:
Inborn genetic diseases. Identifiers: MedGen C0950123, MeSH D030342.
Congenital hyperammonemia, type I. Also called: CPS I DEFICIENCY; Carbamoyl phosphate synthetase 1 deficiency; Hyperammonemia due to carbamoyl phosphate synthetase 1 deficiency; CPS 1 deficiency; Carbamyl phosphate synthetase (CPS) deficiency; Carbamoyl-phosphate synthase I deficiency. Identifiers: Orphanet 147, MedGen C4082171, MONDO:0009376, OMIM 237300.

Allele frequency attached by ClinVar (database versions not stated): gnomAD exomes 0.00002 and 0.00008; ExAC 0.00003; TOPMed 0.00004; ESP Exome Variant Server 0.00008.

Submissions (4):

Ambry Genetics
Classification: Uncertain significance for Inborn genetic diseases. Last evaluated: 2024-08-20. Review status: criteria provided, single submitter. Criteria: Ambry Variant Classification Scheme 2023. Collection method: clinical testing. Allele origin: germline.

Labcorp Genetics (formerly Invitae), Labcorp
Classification: Uncertain significance for Congenital hyperammonemia, type I. Last evaluated: 2022-10-17. Review status: criteria provided, single submitter. Criteria: Invitae Variant Classification Sherloc (09022015). Collection method: clinical testing. Allele origin: germline.
Comment: This sequence change replaces arginine, which is basic and polar, with tryptophan, which is neutral and slightly polar, at codon 419 of the CPS1 protein (p.Arg419Trp). This variant is present in population databases (rs139818667, gnomAD 0.008%). This variant has not been reported in the literature in individuals affected with CPS1-related conditions. ClinVar contains an entry for this variant (Variation ID: 1696208). Advanced modeling of protein sequence and biophysical properties (such as structural, functional, and spatial information, amino acid conservation, physicochemical variation, residue mobility, and thermodynamic stability) has been performed at Invitae for this missense variant, however the output from this modeling did not meet the statistical confidence thresholds required to predict the impact of this variant on CPS1 protein function. In summary, the available evidence is currently insufficient to determine the role of this variant in disease. Therefore, it has been classified as a Variant of Uncertain Significance.

Women's Health and Genetics/Laboratory Corporation of America, LabCorp
Classification: Uncertain significance. Last evaluated: 2022-05-03. Review status: criteria provided, single submitter. Criteria: LabCorp Variant Classification Summary - May 2015. Collection method: clinical testing. Allele origin: germline.

Revvity Omics, Revvity
Classification: Uncertain significance for Congenital hyperammonemia, type I. Last evaluated: 2020-11-30. Review status: criteria provided, single submitter. Criteria: ACMG Guidelines, 2015. Collection method: clinical testing. Allele origin: germline.